The following is an entry in ClinVar:

NM_000520.6(HEXA):c.1293G>A (p.Trp431Ter)

Gene: HEXA (hexosaminidase subunit alpha; minus strand). Cytogenetic location: 15q23.
Variant type: single nucleotide variant.
Coding change: c.1293G>A on transcript NM_000520.6 (MANE Select); coding-DNA position 1293, G replaced by A.
Protein change: p.Trp431Ter; replaces tryptophan 431 with a stop codon.
Molecular consequence: nonsense.
Genome position (GRCh38, 1-based): chr15:72,346,564, C>T on the plus strand (G>A on the coding strand, the complement: HEXA is on the minus strand). VCF-style: chr15-72346564-C-T. GRCh37 (hg19) VCF-style: chr15-72638905-C-T.
Other names: c.1326G>A, p.Trp442Ter (NM_001318825.2); short protein forms W442*, W431*.
Identifiers: ClinVar variation 2696902 (VCV002696902.3), dbSNP rs2542514054, ClinGen allele CA393060547.

ClinVar aggregate classification (germline): Pathogenic (1 of 4 stars; one submission).

Conditions:
Tay-Sachs disease (TSD). Also called: HEXA DEFICIENCY; GM2 gangliosidosis, type 1; Hexosaminidase alpha-subunit deficiency (variant B); Sphingolipidosis, Tay-Sachs; Hexosaminidase A Deficiency; HEXA Disorders. Identifiers: Orphanet 845, MedGen C0039373, MONDO:0010100, OMIM 272800.

Allele frequency attached by ClinVar (database versions not stated): gnomAD exomes below 0.00001.
gnomAD v4.1: 1 of 1,614,078 alleles (0.000062%); highest among the groups gnomAD compares: Non-Finnish European, 0.000085%; no homozygotes.

Submission:

Labcorp Genetics (formerly Invitae), Labcorp
Classification: Pathogenic for Tay-Sachs disease. Last evaluated: 2023-11-28. Review status: criteria provided, single submitter. Criteria: Invitae Variant Classification Sherloc (09022015). Collection method: clinical testing. Allele origin: germline.
Comment: This sequence change creates a premature translational stop signal (p.Trp431*) in the HEXA gene. It is expected to result in an absent or disrupted protein product. Loss-of-function variants in HEXA are known to be pathogenic (PMID: 1833974, 8490625). This variant is not present in population databases (gnomAD no frequency). This premature translational stop signal has been observed in individual(s) with Tay-Sachs disease (PMID: 16088929). For these reasons, this variant has been classified as Pathogenic.

Literature cited by the submitters: PubMed 1833974; PubMed 8490625; PubMed 16088929.